The following is an entry in ClinVar:

NM_003919.3(SGCE):c.500A>C (p.Lys167Thr)

Genes: CASD1 (CAS1 domain containing 1; plus strand), SGCE (sarcoglycan epsilon; minus strand). Cytogenetic location: 7q21.3.
Variant type: single nucleotide variant.
Coding change: c.500A>C on transcript NM_003919.3 (MANE Select); coding-DNA position 500, A replaced by C.
Protein change: p.Lys167Thr; replaces lysine 167 with threonine.
Molecular consequence: missense variant.
Genome position (GRCh38, 1-based): chr7:94,618,920, T>G on the plus strand (A>C on the coding strand, the complement: SGCE is on the minus strand). VCF-style: chr7-94618920-T-G. GRCh37 (hg19) VCF-style: chr7-94248232-T-G.
Other names: c.500A>C, p.Lys167Thr (NM_001099400.2, NM_001099401.2, NM_001346717.2); c.377A>C, p.Lys126Thr (NM_001301139.2, NM_001362809.2); c.608A>C, p.Lys203Thr (NM_001346713.2, NM_001346715.2); c.413A>C, p.Lys138Thr (NM_001346719.2, NM_001362807.2); c.227A>C, p.Lys76Thr (NM_001346720.2, NM_001362808.2); short protein forms K126T, K138T, K167T, K203T, K76T.
Identifiers: ClinVar variation 1310964 (VCV001310964.2), dbSNP rs779127500, ClinGen allele CA4348781.

ClinVar aggregate classification (germline): Uncertain significance (1 of 4 stars; one submission).

Allele frequency attached by ClinVar (database versions not stated): gnomAD exomes below 0.00001; ExAC 0.00001.
gnomAD v4.1: 5 of 1,613,962 alleles (0.00031%); highest among the groups gnomAD compares: Non-Finnish European, 0.00042%; no homozygotes.

Submission:

GeneDx
Classification: Uncertain significance. Last evaluated: 2020-01-07. Review status: criteria provided, single submitter. Criteria: GeneDx Variant Classification Process June 2021. Collection method: clinical testing. Allele origin: germline. Affected: yes.
Comment: Not observed at a significant frequency in large population cohorts (Lek et al., 2016); In silico analysis, which includes protein predictors and evolutionary conservation, supports that this variant does not alter protein structure/function; Has not been previously published as pathogenic or benign to our knowledge